The following is an entry in ClinVar:

Single allele

Variant type: single nucleotide variant.
Identifiers: ClinVar variation 3026091 (VCV003026091.17), dbSNP rs781918535, ClinGen allele CA5486666.

ClinVar aggregate classification (germline): Likely benign (1 of 4 stars; one submission).

Submission:

CeGaT Center for Human Genetics Tuebingen
Classification: Likely benign. Last evaluated: 2024-01-01. Review status: criteria provided, single submitter. Criteria: CeGaT Center For Human Genetics Tuebingen Variant Classification Criteria Version 2. Collection method: clinical testing. Allele origin: germline. Affected: yes. Observed: 1 variant allele.
Comment: ASAH2C: PP2, BS2